The following is an entry in ClinVar:

NM_001122681.2(SH3BP2):c.1345_1347del (p.Glu449del)

Gene: SH3BP2 (SH3 domain binding protein 2; plus strand). Cytogenetic location: 4p16.3.
Variant type: Deletion.
Coding change: c.1345_1347del on transcript NM_001122681.2 (MANE Select); coding-DNA positions 1345 to 1347, 3 bases deleted (GAG; older notation c.1345_1347delGAG).
Protein change: p.Glu449del; deletes glutamic acid 449.
Molecular consequence: inframe deletion.
Genome position (GRCh38, 1-based): chr4:2,831,674-2,831,676, GAG deleted. VCF-style (leftmost placement, unchanged base first): chr4-2831673-TGAG-T. GRCh37 (hg19) VCF-style: chr4-2833400-TGAG-T.
Other names: c.1429_1431del, p.Glu477del (NM_001145855.2); c.1516_1518del, p.Glu506del (NM_001145856.2); c.1345_1347del, p.Glu449del (NM_003023.4); short protein forms E449del, E477del, E506del.
Identifiers: ClinVar variation 1063901 (VCV001063901.9), dbSNP rs1724993599, ClinGen allele CA1058622076.

ClinVar aggregate classification (germline): Uncertain significance (1 of 4 stars; one submission).

Conditions:
Fibrous dysplasia of jaw (CRBM). Also called: Cherubism. Identifiers: Orphanet 184, MedGen C0008029, MONDO:0007315, OMIM 118400.

Allele frequency attached by ClinVar (database versions not stated): gnomAD exomes below 0.00001; gnomAD 0.00001; TOPMed 0.00001.

Submission:

Labcorp Genetics (formerly Invitae), Labcorp
Classification: Uncertain significance for Fibrous dysplasia of jaw. Last evaluated: 2020-05-07. Review status: criteria provided, single submitter. Criteria: Invitae Variant Classification Sherloc (09022015). Collection method: clinical testing. Allele origin: germline.
Comment: This variant has not been reported in the literature in individuals with SH3BP2-related conditions. This variant is not present in population databases (ExAC no frequency). This variant, c.1345_1347del, results in the deletion of 1 amino acid(s) of the SH3BP2 protein (p.Glu449del), but otherwise preserves the integrity of the reading frame. Experimental studies and prediction algorithms are not available or were not evaluated, and the functional significance of this variant is currently unknown. In summary, the available evidence is currently insufficient to determine the role of this variant in disease. Therefore, it has been classified as a Variant of Uncertain Significance.